The following is an entry in ClinVar:

ClinVar aggregate classification (germline): Uncertain significance (1 of 4 stars; one submission).

Conditions:
Hereditary cancer-predisposing syndrome. Also called: Neoplastic Syndromes, Hereditary; Tumor predisposition; Hereditary neoplastic syndrome; Hereditary Cancer Syndrome. Identifiers: Orphanet 140162, MedGen C0027672, MeSH D009386, MONDO:0015356.

Submission:

Ambry Genetics
Classification: Uncertain significance for Hereditary cancer-predisposing syndrome. Last evaluated: 2024-05-08. Review status: criteria provided, single submitter. Criteria: Ambry Variant Classification Scheme 2023. Collection method: clinical testing. Allele origin: germline.
Comment: The p.P1352A variant (also known as c.4054C>G), located in coding exon 23 of the PTCH1 gene, results from a C to G substitution at nucleotide position 4054. The proline at codon 1352 is replaced by alanine, an amino acid with highly similar properties. This amino acid position is conserved. In addition, this alteration is predicted to be tolerated by in silico analysis. Based on the available evidence, the clinical significance of this variant remains unclear.

NM_000264.5(PTCH1):c.4054C>G (p.Pro1352Ala)

Gene: PTCH1 (patched 1; minus strand). Cytogenetic location: 9q22.32.
Variant type: single nucleotide variant.
Coding change: c.4054C>G on transcript NM_000264.5 (MANE Select); coding-DNA position 4054, C replaced by G.
Protein change: p.Pro1352Ala; replaces proline 1352 with alanine.
Molecular consequence: missense variant. On other transcripts: non-coding transcript variant (1).
Genome position (GRCh38, 1-based): chr9:95,447,202, G>C on the plus strand (C>G on the coding strand, the complement: PTCH1 is on the minus strand). VCF-style: chr9-95447202-G-C. GRCh37 (hg19) VCF-style: chr9-98209484-G-C.
Other names: c.4051C>G, p.Pro1351Ala (NM_001083603.3); c.3601C>G, p.Pro1201Ala (NM_001083604.3, NM_001083605.3, NM_001083606.3 and 1 more transcripts); c.3898C>G, p.Pro1300Ala (NM_001354918.2); c.3856C>G, p.Pro1286Ala (NM_001083602.3); short protein forms P1201A, P1300A, P1351A, P1286A, P1352A.
Identifiers: ClinVar variation 3311178 (VCV003311178.1).